The following is an entry in ClinVar:

NM_001003787.4(STRADA):c.359A>G (p.His120Arg)

Gene: STRADA (STE20 related adaptor alpha; minus strand). Cytogenetic location: 17q23.3.
Variant type: single nucleotide variant.
Coding change: c.359A>G on transcript NM_001003787.4 (MANE Select); coding-DNA position 359, A replaced by G.
Protein change: p.His120Arg; replaces histidine 120 with arginine.
Molecular consequence: missense variant. On other transcripts: non-coding transcript variant (1).
Genome position (GRCh38, 1-based): chr17:63,710,826, T>C on the plus strand (A>G on the coding strand, the complement: STRADA is on the minus strand). VCF-style: chr17-63710826-T-C. GRCh37 (hg19) VCF-style: chr17-61788186-T-C.
Other names: c.248A>G, p.His83Arg (NM_001003786.3, NM_001363789.1, NM_153335.6); c.185A>G, p.His62Arg (NM_001003788.3, NM_001363790.1, NM_001363791.1); c.272A>G, p.His91Arg (NM_001165969.2, NM_001363787.1, NM_001411084.1); c.227A>G, p.His76Arg (NM_001165970.2); c.335A>G, p.His112Arg (NM_001363786.1); c.359A>G, p.His120Arg (NM_001363788.1, NM_001411083.1, NM_001411085.1); short protein forms H112R, H120R, H62R, H76R, H83R, H91R.
Identifiers: ClinVar variation 4689952 (VCV004689952.1).

ClinVar aggregate classification (germline): Uncertain significance (1 of 4 stars; one submission).

gnomAD v4.1: 3 of 1,614,150 alleles (0.00019%); highest among the groups gnomAD compares: African/African-American, 0.0013%; no homozygotes.

Submission:

GeneDx
Classification: Uncertain significance. Last evaluated: 2025-07-27. Review status: criteria provided, single submitter. Criteria: GeneDx Variant Classification Process June 2021. Collection method: clinical testing. Allele origin: germline. Affected: yes.
Comment: Not observed at significant frequency in large population cohorts (gnomAD); In silico analysis suggests that this missense variant does not alter protein structure/function; Has not been previously published as pathogenic or benign to our knowledge